The following is an entry in ClinVar:

ClinVar aggregate classification (germline): Likely benign (0 of 4 stars; one submission).

Conditions:
NLRP14-related disorder. Also called: NLRP14-related condition.

Allele frequency attached by ClinVar (database versions not stated): 1000 Genomes Project 0.00459; ESP Exome Variant Server 0.00554; 1000 Genomes Project 30x 0.00578.
gnomAD v4.1: 1,398 of 1,614,168 alleles (0.087%); highest among the groups gnomAD compares: African/African-American, 1.5%; 17 homozygotes.

Submission:

PreventionGenetics, part of Exact Sciences
Classification: Likely benign for NLRP14-related condition. Last evaluated: 2019-03-19. Review status: no assertion criteria provided. Collection method: clinical testing. Allele origin: germline.
Comment: This variant is classified as likely benign based on ACMG/AMP sequence variant interpretation guidelines (Richards et al. 2015 PMID: 25741868, with internal and published modifications).

NM_176822.4(NLRP14):c.1321G>A (p.Val441Met)

Gene: NLRP14 (NLR family pyrin domain containing 14; plus strand). Cytogenetic location: 11p15.4.
Variant type: single nucleotide variant.
Coding change: c.1321G>A on transcript NM_176822.4 (MANE Select); coding-DNA position 1321, G replaced by A.
Protein change: p.Val441Met; replaces valine 441 with methionine.
Molecular consequence: missense variant.
Genome position (GRCh38, 1-based): chr11:7,043,347, G>A. VCF-style: chr11-7043347-G-A. GRCh37 (hg19) VCF-style: chr11-7064578-G-A.
Other names: short protein forms V441M.
Identifiers: ClinVar variation 3033102 (VCV003033102.2), dbSNP rs147389856, ClinGen allele CA5864768.
Genomic context (GRCh38, chr11:7,043,347, plus strand): 5'-CAAGCCCAGCTGAGAAGACTGTGCCAAGTCGCTGCCAAAGGAATATGGACTATGACTTAC[G>A]TGTTTTACAGAGAAAATCTCAGAAGGCTTGGGTTAACTCAATCTGATGTCTCTAGTTTTA-3'
Protein context (NP_789792.1, residues 431-451): AAKGIWTMTY[Val441Met]FYRENLRRLG